The following is an entry in ClinVar:

ClinVar aggregate classification (germline): Likely pathogenic (1 of 4 stars; one submission).

Conditions:
Sphingolipid activator protein 1 deficiency. Also called: Saposin B Deficiency; METACHROMATIC LEUKODYSTROPHY DUE TO CEREBROSIDE SULFATASE ACTIVATOR DEFICIENCY; Metachromatic leukodystrophy due to saposin B deficiency. Identifiers: Orphanet 512, MedGen C0268262, MONDO:0009590, OMIM 249900.

Allele frequency attached by ClinVar (database versions not stated): gnomAD exomes below 0.00001.
gnomAD v4.1: 2 of 1,613,922 alleles (0.00012%); highest among the groups gnomAD compares: South Asian, 0.0011%; no homozygotes.

Submission:

Foundation for Research in Genetics and Endocrinology, FRIGE's Institute of Human Genetics
Classification: Likely pathogenic for Sphingolipid activator protein 1 deficiency. Last evaluated: 2023-03-15. Review status: criteria provided, single submitter. Criteria: ACMG Guidelines, 2015. Collection method: clinical testing. Allele origin: germline. Inheritance: Autosomal recessive inheritance. Affected: yes. Observed: 1 homozygote.
Comment: A homozygous missense variant in exon 6 of the PSAP gene that results in the amino acid substitution of Glycine for Cysteine at codon 230 was detected. The observed variant c.688T>G (p.Cys230Gly) has not been reported in the 1000 genomes and gnomAD databases. The in silico prediction of the variant is damaging by SIFT, FATHMM and MutationTaster2. The reference codon is conserved across species. In summary, the variant meets our criteria to be classified as likely pathogenic.

NM_002778.4(PSAP):c.688T>G (p.Cys230Gly)

Gene: PSAP (prosaposin; minus strand). Cytogenetic location: 10q22.1.
Variant type: single nucleotide variant.
Coding change: c.688T>G on transcript NM_002778.4 (MANE Select); coding-DNA position 688, T replaced by G.
Protein change: p.Cys230Gly; replaces cysteine 230 with glycine.
Molecular consequence: missense variant.
Genome position (GRCh38, 1-based): chr10:71,828,046, A>C on the plus strand (T>G on the coding strand, the complement: PSAP is on the minus strand). VCF-style: chr10-71828046-A-C. GRCh37 (hg19) VCF-style: chr10-73587803-A-C.
Other names: p.Cys230Gly; c.688T>G, p.Cys230Gly (NM_001042465.3, NM_001042466.3); short protein forms C230G.
Identifiers: ClinVar variation 2445228 (VCV002445228.2), dbSNP rs2494522736, ClinGen allele CA377150798.